The following is an entry in ClinVar:

ClinVar aggregate classification (germline): Likely pathogenic (1 of 4 stars; one submission).

Conditions:
Cardiac valvular defect, developmental (CVDP1). Also called: CARDIAC VALVULAR DYSPLASIA 1. Identifiers: MedGen C5774175, MONDO:0008913, OMIM 212093.

Submission:

Lifecell International Pvt. Ltd
Classification: Likely pathogenic for Cardiac valvular defect, developmental. Review status: criteria provided, single submitter. Criteria: ACMG Guidelines, 2015. Collection method: clinical testing. Allele origin: germline. Inheritance: Autosomal recessive inheritance. Affected: yes. Observed: 1 compound heterozygote.
Comment: A Heterozygous Splice site acceptor variant c.1062-2A>T in Exon 10 of the PLD1 gene that results in the amino acid substitution was identified. The observed variant is novel in gnomAD exomes and genomes, respectively. The severity of the impact of this variant on the protein is high, based on the effect of the protein and REVEL score . Rare Exome Variant Ensemble Learner (REVEL) is an ensembl method for predicting the pathogenicity of missense variants based on a combination of scores from 13 individual tools: MutPred, FATHMM v2.3, VEST 3.0, PolyPhen-2, SIFT, PROVEAN, MutationAssessor, MutationTaster, LRT, GERP++, SiPhy, phyloP, and phastCons. The REVEL score for an individual missense variant can range from 0 to 1, with higher scores reflecting greater likelihood that the variant is disease-causing. For these reasons, this variant has been classified as Likely Pathogenic.

NM_002662.5(PLD1):c.1062-2A>T

Gene: PLD1 (phospholipase D1; minus strand). Cytogenetic location: 3q26.31.
Variant type: single nucleotide variant.
Coding change: c.1062-2A>T on transcript NM_002662.5 (MANE Select); the canonical splice acceptor site of the intron before coding-DNA position 1062, A replaced by T.
Molecular consequence: splice acceptor variant.
Genome position (GRCh38, 1-based): chr3:171,708,840, T>A on the plus strand (A>T on the coding strand, the complement: PLD1 is on the minus strand). VCF-style: chr3-171708840-T-A. GRCh37 (hg19) VCF-style: chr3-171426630-T-A.
Other names: c.1062-2A>T (NM_001130081.3).
Identifiers: ClinVar variation 2445423 (VCV002445423.2), dbSNP rs2473988650, ClinGen allele CA355503489.